The following is an entry in ClinVar:

NM_015459.5(ATL3):c.1197del (p.Lys400fs)

Genes: LNCROPM (lncRNA regulator of PLAAT3 mediated phospholipid metabolism; plus strand), ATL3 (atlastin GTPase 3; minus strand), LOC126861231 (CDK7 strongly-dependent group 2 enhancer GRCh37_chr11:63398741-63399940; plus strand). Cytogenetic location: 11q13.1.
Variant type: Deletion.
Coding change: c.1197del on transcript NM_015459.5 (MANE Select); coding-DNA position 1197, one base deleted (G; older notation c.1197delG).
Protein change: p.Lys400fs; shifts the reading frame from lysine 400.
Molecular consequence: frameshift variant.
Genome position (GRCh38, 1-based): chr11:63,631,382, C deleted on the plus strand (G on the coding strand, the reverse complement: ATL3 is on the minus strand). VCF-style (leftmost placement, unchanged base first): chr11-63631381-TC-T. GRCh37 (hg19) VCF-style: chr11-63398853-TC-T.
Other names: c.1143del, p.Lys382fs (NM_001290048.2); short protein forms K382fs, K400fs.
Identifiers: ClinVar variation 1063645 (VCV001063645.7), dbSNP rs1277086081, ClinGen allele CA599799726.

ClinVar aggregate classification (germline): Uncertain significance (1 of 4 stars; one submission).

Conditions:
Neuropathy, hereditary sensory, type 1F. Also called: HSN IF; Hereditary sensory neuropathy type IF. Identifiers: Orphanet 36386, MedGen C3810194, MONDO:0014286, OMIM 615632.

Allele frequency attached by ClinVar (database versions not stated): gnomAD exomes 0.00001; TOPMed 0.00001.

Submission:

Labcorp Genetics (formerly Invitae), Labcorp
Classification: Uncertain significance for Neuropathy, hereditary sensory, type 1F. Last evaluated: 2020-09-09. Review status: criteria provided, single submitter. Criteria: Invitae Variant Classification Sherloc (09022015). Collection method: clinical testing. Allele origin: germline.
Comment: This variant has not been reported in the literature in individuals with ATL3-related conditions. In summary, the available evidence is currently insufficient to determine the role of this variant in disease. Therefore, it has been classified as a Variant of Uncertain Significance. The current clinical and genetic evidence is not sufficient to establish whether loss-of-function variants in ATL3 cause disease. This variant is not present in population databases (ExAC no frequency). This sequence change creates a premature translational stop signal (p.Lys400Argfs*53) in the ATL3 gene. It is expected to result in an absent or disrupted protein product.